The following is an entry in ClinVar:

ClinVar aggregate classification (germline): Uncertain significance. Review status: criteria provided, multiple submitters, no conflicts (2 of 4 stars). 2 submissions from 2 submitters: Uncertain significance (2). Last evaluated 2022-11-04.

Conditions:
Reticular dysgenesis. Also called: ALEUKOCYTOSIS; CONGENITAL ALEUKIA; HEMATOPOIETIC HYPOPLASIA, GENERALIZED; RETICULAR DYSGENESIA; SEVERE COMBINED IMMUNODEFICIENCY WITH LEUKOPENIA; DeVaal disease. Identifiers: Orphanet 33355, MedGen C0272167, MONDO:0009973, OMIM 267500.
AK2-related disorder. Also called: AK2-related condition.

Allele frequency attached by ClinVar (database versions not stated): gnomAD 0.00003 and 0.00004; ExAC 0.00004; gnomAD exomes 0.00004 and 0.00005.
gnomAD v4.1: 88 of 1,614,028 alleles (0.0055%); highest among the groups gnomAD compares: Admixed American, 0.0067%; no homozygotes.

Submissions (2):

PreventionGenetics, part of Exact Sciences
Classification: Uncertain significance for AK2-related condition. Last evaluated: 2022-11-04. Review status: criteria provided, single submitter. Criteria: ACMG Guidelines, 2015. Collection method: clinical testing. Allele origin: germline.
Comment: The AK2 c.655G>A variant is predicted to result in the amino acid substitution p.Val219Met. To our knowledge, this variant has not been reported in the literature. This variant is reported in 0.0085% of alleles in individuals of Latino descent in gnomAD. At this time, the clinical significance of this variant is uncertain due to the absence of conclusive functional and genetic evidence.

Labcorp Genetics (formerly Invitae), Labcorp
Classification: Uncertain significance for Reticular dysgenesis. Last evaluated: 2022-08-23. Review status: criteria provided, single submitter. Criteria: Invitae Variant Classification Sherloc (09022015). Collection method: clinical testing. Allele origin: germline.
Comment: Algorithms developed to predict the effect of missense changes on protein structure and function are either unavailable or do not agree on the potential impact of this missense change (SIFT: "Deleterious"; PolyPhen-2: "Benign"; Align-GVGD: "Class C0"). ClinVar contains an entry for this variant (Variation ID: 664531). This variant has not been reported in the literature in individuals affected with AK2-related conditions. This variant is present in population databases (rs755736918, gnomAD 0.009%). This sequence change replaces valine, which is neutral and non-polar, with methionine, which is neutral and non-polar, at codon 219 of the AK2 protein (p.Val219Met). In summary, the available evidence is currently insufficient to determine the role of this variant in disease. Therefore, it has been classified as a Variant of Uncertain Significance.

NM_001625.4(AK2):c.655G>A (p.Val219Met)

Gene: AK2 (adenylate kinase 2; minus strand). Cytogenetic location: 1p35.1.
Variant type: single nucleotide variant.
Coding change: c.655G>A on transcript NM_001625.4 (MANE Select); coding-DNA position 655, G replaced by A.
Protein change: p.Val219Met; replaces valine 219 with methionine.
Molecular consequence: missense variant. On other transcripts: 3 prime UTR variant (1), non-coding transcript variant (1).
Genome position (GRCh38, 1-based): chr1:33,013,246, C>T on the plus strand (G>A on the coding strand, the complement: AK2 is on the minus strand). VCF-style: chr1-33013246-C-T. GRCh37 (hg19) VCF-style: chr1-33478847-C-T.
Other names: c.631G>A, p.Val211Met (NM_001199199.3); c.511G>A, p.Val171Met (NM_001319139.3, NM_001319140.2); c.655G>A, p.Val219Met (NM_001319141.3, NM_013411.5); c.529G>A, p.Val177Met (NM_001319142.3); c.*158G>A (NM_001319143.2); c.655G>A (NM_001625.3); short protein forms V171M, V177M, V211M, V219M.
Identifiers: ClinVar variation 664531 (VCV000664531.11), dbSNP rs755736918, ClinGen allele CA747037.
Genomic context (GRCh38, chr1:33,013,246, plus strand): 5'-TAAACATAACCAAGTCTTTACATGTGGCTTTGGAGAAGGCTGCTAGGATGCTTGCGAACA[C>T]GACATCGGGGGTCTGGGATGCATCGATGGCGGAGTGGATCCCCCGTTTCCTGTAGTACTC-3'
Protein context (NP_001616.1, residues 209-229): AIDASQTPDV[Val219Met]FASILAAFSK